The following is an entry in ClinVar:

ClinVar aggregate classification (germline): Uncertain significance (1 of 4 stars; one submission).

Submission:

Ambry Genetics
Classification: Uncertain significance. Last evaluated: 2021-12-30. Review status: criteria provided, single submitter. Criteria: Ambry Variant Classification Scheme 2023. Collection method: clinical testing. Allele origin: germline.
Comment: The p.V1309M variant (also known as c.3925G>A), located in coding exon 8 of the MLH3 gene, results from a G to A substitution at nucleotide position 3925. The valine at codon 1309 is replaced by methionine, an amino acid with highly similar properties. This amino acid position is conserved. In addition, this alteration is predicted to be tolerated by in silico analysis. Since supporting evidence is limited at this time, the clinical significance of this alteration remains unclear.

NM_001040108.2(MLH3):c.3925G>A (p.Val1309Met)

Gene: MLH3 (mutL homolog 3; minus strand). Cytogenetic location: 14q24.3.
Variant type: single nucleotide variant.
Coding change: c.3925G>A on transcript NM_001040108.2 (MANE Select); coding-DNA position 3925, G replaced by A.
Protein change: p.Val1309Met; replaces valine 1309 with methionine.
Molecular consequence: missense variant.
Genome position (GRCh38, 1-based): chr14:75,030,605, C>T on the plus strand (G>A on the coding strand, the complement: MLH3 is on the minus strand). VCF-style: chr14-75030605-C-T. GRCh37 (hg19) VCF-style: chr14-75497308-C-T.
Other names: c.3853G>A, p.Val1285Met (NM_014381.3); short protein forms V1285M, V1309M.
Identifiers: ClinVar variation 1736224 (VCV001736224.2), dbSNP rs2503117370, ClinGen allele CA390422696.